The following is an entry in ClinVar:

ClinVar aggregate classification (germline): Uncertain significance (1 of 4 stars; one submission).

Conditions:
Gastrointestinal stromal tumor. Also called: Gastrointestinal stromal tumor, somatic; Gastrointestinal stroma tumor. Identifiers: Orphanet 44890, MedGen C0238198, MeSH D046152, MONDO:0011719, OMIM 606764, HP:0100723.

Submission:

Labcorp Genetics (formerly Invitae), Labcorp
Classification: Uncertain significance for Gastrointestinal stromal tumor. Last evaluated: 2026-01-28. Review status: criteria provided, single submitter. Criteria: Invitae Variant Classification Sherloc (09022015). Collection method: clinical testing. Allele origin: germline.
Comment: This sequence change replaces aspartic acid, which is acidic and polar, with glycine, which is neutral and non-polar, at codon 591 of the PDGFRA protein (p.Asp591Gly). This variant is not present in population databases (gnomAD no frequency). This variant has not been reported in the literature in individuals affected with PDGFRA-related conditions. ClinVar contains an entry for this variant (Variation ID: 1019387). Invitae Evidence Modeling of protein sequence and biophysical properties (such as structural, functional, and spatial information, amino acid conservation, physicochemical variation, residue mobility, and thermodynamic stability) indicates that this missense variant is not expected to disrupt PDGFRA protein function with a negative predictive value of 80%. In summary, the available evidence is currently insufficient to determine the role of this variant in disease. Therefore, it has been classified as a Variant of Uncertain Significance.

NM_006206.6(PDGFRA):c.1772A>G (p.Asp591Gly)

Gene: PDGFRA (platelet derived growth factor receptor alpha; plus strand). Cytogenetic location: 4q12.
Variant type: single nucleotide variant.
Coding change: c.1772A>G on transcript NM_006206.6 (MANE Select); coding-DNA position 1772, A replaced by G.
Protein change: p.Asp591Gly; replaces aspartic acid 591 with glycine.
Molecular consequence: missense variant.
Genome position (GRCh38, 1-based): chr4:54,274,959, A>G. VCF-style: chr4-54274959-A-G. GRCh37 (hg19) VCF-style: chr4-55141126-A-G.
Other names: c.1772A>G, p.Asp591Gly (NM_001347827.2, NM_001347829.2); c.1847A>G, p.Asp616Gly (NM_001347828.2); c.1811A>G, p.Asp604Gly (NM_001347830.2); short protein forms D591G, D604G, D616G.
Identifiers: ClinVar variation 1019387 (VCV001019387.9), dbSNP rs1723640426, ClinGen allele CA356893285.